The following is an entry in ClinVar:

NM_000178.4(GSS):c.-16G>A

Gene: GSS (glutathione synthetase; minus strand). Cytogenetic location: 20q11.22.
Variant type: single nucleotide variant.
Coding change: c.-16G>A on transcript NM_000178.4 (MANE Select); 16 bases upstream of the start codon, G replaced by A.
Molecular consequence: 5 prime UTR variant. On other transcripts: intron variant (1).
Genome position (GRCh38, 1-based): chr20:34,955,734, C>T on the plus strand (G>A on the coding strand, the complement: GSS is on the minus strand). VCF-style: chr20-34955734-C-T. GRCh37 (hg19) VCF-style: chr20-33543537-C-T.
Other names: c.-9+136G>A (NM_001322494.1); c.-16G>A (LRG_1168t1).
Identifiers: ClinVar variation 338303 (VCV000338303.6), dbSNP rs575728230, ClinGen allele CA10643800.

ClinVar aggregate classification (germline): Conflicting classifications of pathogenicity. Review status: criteria provided, conflicting classifications (1 of 4 stars). 3 submissions from 3 submitters: Uncertain significance (2); Likely benign (1). Last evaluated 2025-09-10.

Conditions:
Glutathione synthetase deficiency without 5-oxoprolinuria. Also called: ANEMIA, CONGENITAL, NONSPHEROCYTIC HEMOLYTIC, 6. Identifiers: Orphanet 289849, Orphanet 32, MedGen C1856399, MONDO:0009284, OMIM 231900.
Inherited glutathione synthetase deficiency. Identifiers: Orphanet 32, MedGen C5979912, MONDO:0017909.

Allele frequency attached by ClinVar (database versions not stated): TOPMed 0.00053; 1000 Genomes Project 30x 0.00125; 1000 Genomes Project 0.00140; gnomAD 0.00034 and 0.00042.

Submissions (3):

Genomic Medicine Center of Excellence, King Faisal Specialist Hospital and Research Centre
Classification: Uncertain significance for Glutathione synthetase deficiency without 5-oxoprolinuria. Last evaluated: 2025-09-10. Review status: criteria provided, single submitter. Criteria: ACMG Guidelines, 2015. Collection method: clinical testing. Allele origin: germline.

Illumina Laboratory Services, Illumina
Classification: Uncertain significance for Glutathione synthetase deficiency with 5-oxoprolinuria. Last evaluated: 2018-01-13. Review status: criteria provided, single submitter. Criteria: ICSL Variant Classification Criteria 13 December 2019. Collection method: clinical testing. Allele origin: germline.

GeneDx
Classification: Likely benign. Last evaluated: 2017-01-23. Review status: criteria provided, single submitter. Criteria: GeneDx Variant Classification (06012015). Collection method: clinical testing. Allele origin: germline. Affected: yes.
Comment: This variant is considered likely benign or benign based on one or more of the following criteria: it is a conservative change, it occurs at a poorly conserved position in the protein, it is predicted to be benign by multiple in silico algorithms, and/or has population frequency not consistent with disease.